The following is an entry in ClinVar:

ClinVar aggregate classification (germline): Uncertain significance (1 of 4 stars; one submission).

Allele frequency attached by ClinVar (database versions not stated): gnomAD 0.00001.
gnomAD v4.1: 3 of 1,609,576 alleles (0.00019%); highest among the groups gnomAD compares: East Asian, 0.0022%; no homozygotes.

Submission:

Labcorp Genetics (formerly Invitae), Labcorp
Classification: Uncertain significance. Last evaluated: 2023-05-09. Review status: criteria provided, single submitter. Criteria: Invitae Variant Classification Sherloc (09022015). Collection method: clinical testing. Allele origin: germline.
Comment: In summary, the available evidence is currently insufficient to determine the role of this variant in disease. Therefore, it has been classified as a Variant of Uncertain Significance. Advanced modeling of protein sequence and biophysical properties (such as structural, functional, and spatial information, amino acid conservation, physicochemical variation, residue mobility, and thermodynamic stability) performed at Invitae indicates that this missense variant is not expected to disrupt KRT1 protein function. This variant has not been reported in the literature in individuals affected with KRT1-related conditions. This variant is not present in population databases (gnomAD no frequency). This sequence change replaces glycine, which is neutral and non-polar, with serine, which is neutral and polar, at codon 597 of the KRT1 protein (p.Gly597Ser).

NM_006121.4(KRT1):c.1789G>A (p.Gly597Ser)

Gene: KRT1 (keratin 1; minus strand). Cytogenetic location: 12q13.13.
Variant type: single nucleotide variant.
Coding change: c.1789G>A on transcript NM_006121.4 (MANE Select); coding-DNA position 1789, G replaced by A.
Protein change: p.Gly597Ser; replaces glycine 597 with serine.
Molecular consequence: missense variant.
Genome position (GRCh38, 1-based): chr12:52,675,339, C>T on the plus strand (G>A on the coding strand, the complement: KRT1 is on the minus strand). VCF-style: chr12-52675339-C-T. GRCh37 (hg19) VCF-style: chr12-53069123-C-T.
Other names: short protein forms G597S.
Identifiers: ClinVar variation 2905698 (VCV002905698.3), dbSNP rs1469539692, ClinGen allele CA384958266.